The following is an entry in ClinVar:

ClinVar aggregate classification (germline): Uncertain significance (1 of 4 stars; one submission).

Conditions:
Pyknodysostosis. Also called: Pycnodysostosis. Identifiers: Orphanet 763, MedGen C0238402, MONDO:0009940, OMIM 265800.

Submission:

Foundation for Research in Genetics and Endocrinology, FRIGE's Institute of Human Genetics
Classification: Uncertain significance for Pyknodysostosis. Last evaluated: 2024-09-24. Review status: criteria provided, single submitter. Criteria: ACMG Guidelines, 2015. Collection method: clinical testing. Allele origin: germline. Inheritance: Autosomal recessive inheritance. Affected: yes.
Comment: A homozygous missense variant in exon 7 of the CTSK gene that results in the amino acid substitution of Threonine for Isoleucine at codon 294 was detected. The observed variant has not been reported in the 1000 genomes, gnomAD (v3.1), gnomAD (v2.1), topmed and in our internal databases. The in-silico predictions# of the variant are probably damaging by PolyPhen-2 and damaging by SIFT, LRT, MutationTaster2. The reference codon is conserved across mammals. In summary, the variant meets our criteria to be classified as variant of uncertain significance.

NM_000396.4(CTSK):c.881T>C (p.Ile294Thr)

Gene: CTSK (cathepsin K; minus strand). Cytogenetic location: 1q21.3.
Variant type: single nucleotide variant.
Coding change: c.881T>C on transcript NM_000396.4 (MANE Select); coding-DNA position 881, T replaced by C.
Protein change: p.Ile294Thr; replaces isoleucine 294 with threonine.
Molecular consequence: missense variant.
Genome position (GRCh38, 1-based): chr1:150,799,177, A>G on the plus strand (T>C on the coding strand, the complement: CTSK is on the minus strand). VCF-style: chr1-150799177-A-G. GRCh37 (hg19) VCF-style: chr1-150771653-A-G.
Other names: p.Ile294Thr; short protein forms I294T.
Identifiers: ClinVar variation 3376538 (VCV003376538.2).